The following is an entry in ClinVar:

NM_001166108.2(PALLD):c.449C>T (p.Thr150Ile)

Gene: PALLD (palladin, cytoskeletal associated protein; plus strand). Cytogenetic location: 4q32.3.
Variant type: single nucleotide variant.
Coding change: c.449C>T on transcript NM_001166108.2 (MANE Select); coding-DNA position 449, C replaced by T.
Protein change: p.Thr150Ile; replaces threonine 150 with isoleucine.
Molecular consequence: missense variant.
Genome position (GRCh38, 1-based): chr4:168,511,953, C>T. VCF-style: chr4-168511953-C-T. GRCh37 (hg19) VCF-style: chr4-169433104-C-T.
Other names: c.449C>T, p.Thr150Ile (NM_016081.4); short protein forms T150I.
Identifiers: ClinVar variation 2625551 (VCV002625551.2), dbSNP rs2531432562, ClinGen allele CA358726048.
Genomic context (GRCh38, chr4:168,511,953, plus strand): 5'-GGCCCAGCTACATCCGGAGCCTCCGAAAGGCTGAAAAGCGTGGTGCAAAAACTCCCAGCA[C>T]AAACGTAAAGCCCAAAACGCCACATCAAAGAAAGGGTGGCCCCCAGAGCCAGCTGTGTGA-3'
Protein context (NP_001159580.1, residues 140-160): AEKRGAKTPS[Thr150Ile]NVKPKTPHQR

ClinVar aggregate classification (germline): Uncertain significance (1 of 4 stars; one submission).

Submission:

Ambry Genetics
Classification: Uncertain significance. Last evaluated: 2023-07-08. Review status: criteria provided, single submitter. Criteria: Ambry Variant Classification Scheme 2023. Collection method: clinical testing. Allele origin: germline.
Comment: The p.T150I variant (also known as c.449C>T), located in coding exon 1 of the PALLD gene, results from a C to T substitution at nucleotide position 449. The threonine at codon 150 is replaced by isoleucine, an amino acid with similar properties. This amino acid position is conserved. In addition, this alteration is predicted to be tolerated by in silico analysis. Since supporting evidence is limited at this time, the clinical significance of this alteration remains unclear.